The following is an entry in ClinVar:

ClinVar aggregate classification (germline): Uncertain significance (1 of 4 stars; one submission).

Conditions:
Holoprosencephaly 3 (HPE3). Identifiers: Orphanet 2162, MedGen C1840529, MONDO:0007733, OMIM 142945.

Allele frequency attached by ClinVar (database versions not stated): gnomAD 0.00001.

Submission:

Labcorp Genetics (formerly Invitae), Labcorp
Classification: Uncertain significance for Holoprosencephaly 3. Last evaluated: 2021-12-02. Review status: criteria provided, single submitter. Criteria: Invitae Variant Classification Sherloc (09022015). Collection method: clinical testing. Allele origin: germline.
Comment: In summary, the available evidence is currently insufficient to determine the role of this variant in disease. Therefore, it has been classified as a Variant of Uncertain Significance. Algorithms developed to predict the effect of missense changes on protein structure and function are either unavailable or do not agree on the potential impact of this missense change (SIFT: "Deleterious"; PolyPhen-2: "Benign"; Align-GVGD: "Class C0"). This variant has not been reported in the literature in individuals affected with SHH-related conditions. This variant is present in population databases (no rsID available, gnomAD 0.1%). This sequence change replaces threonine, which is neutral and polar, with isoleucine, which is neutral and non-polar, at codon 444 of the SHH protein (p.Thr444Ile).

NM_000193.4(SHH):c.1331C>T (p.Thr444Ile)

Gene: SHH (sonic hedgehog signaling molecule; minus strand). Cytogenetic location: 7q36.3.
Variant type: single nucleotide variant.
Coding change: c.1331C>T on transcript NM_000193.4 (MANE Select); coding-DNA position 1331, C replaced by T.
Protein change: p.Thr444Ile; replaces threonine 444 with isoleucine.
Molecular consequence: missense variant. On other transcripts: intron variant (1).
Genome position (GRCh38, 1-based): chr7:155,802,958, G>A on the plus strand (C>T on the coding strand, the complement: SHH is on the minus strand). VCF-style: chr7-155802958-G-A. GRCh37 (hg19) VCF-style: chr7-155595652-G-A.
Other names: c.302-2713C>T (NM_001310462.2); short protein forms T444I.
Identifiers: ClinVar variation 1398971 (VCV001398971.6), dbSNP rs1301593958, ClinGen allele CA370143928.